The following is an entry in ClinVar:

NM_007294.4(BRCA1):c.381dup (p.Met128fs)

Gene: BRCA1 (BRCA1 DNA repair associated; minus strand). Cytogenetic location: 17q21.31.
Variant type: Duplication.
Coding change: c.381dup on transcript NM_007294.4 (MANE Select); coding-DNA position 381, one base duplicated (T; older notation c.381dupT).
Protein change: p.Met128fs; shifts the reading frame from methionine 128.
Molecular consequence: frameshift variant. On other transcripts: intron variant (2).
Genome position (GRCh38, 1-based): chr17:43,104,182, A duplicated on the plus strand (T on the coding strand, the reverse complement: BRCA1 is on the minus strand). VCF-style (leftmost placement, unchanged base first): chr17-43104181-T-TA. GRCh37 (hg19) VCF-style: chr17-41256198-T-TA.
Other names: c.303dup, p.Met102fs (NM_001408411.1, NM_001408412.1, NM_001408413.1 and 21 more transcripts); c.381dup, p.Met128fs (NM_001408418.1, NM_001408419.1, NM_001408420.1 and 164 more transcripts); c.249dup, p.Met84fs (NM_001408451.1); c.240dup, p.Met81fs (NM_001408452.1, NM_001408453.1, NM_001408454.1 and 99 more transcripts); c.171dup, p.Met58fs (NM_001408493.1, NM_001408502.1, NM_001408506.1 and 58 more transcripts); c.-1dup, p.Met1fs (NM_001408510.1, NM_001408512.1, NM_001407959.1 and 4 more transcripts); c.381dup, p.Met128Tyrfs (NM_007304.2); c.-218-9322dup (NM_001407967.1, NM_001407966.1); and 1 more; short protein forms M102fs, M125fs, M128fs, M1fs, M58fs, M81fs, M84fs.
Identifiers: ClinVar variation 2573302 (VCV002573302.1), dbSNP rs2552251454, ClinGen allele CA2580612620.

ClinVar aggregate classification (germline): Pathogenic (1 of 4 stars; one submission).

Conditions:
Breast-ovarian cancer, familial, susceptibility to, 1 (BROVCA1). Also called: BRCA1 Hereditary Breast and Ovarian Cancer; OVARIAN CANCER, SUSCEPTIBILITY TO. Identifiers: Orphanet 145, MedGen C2676676, MONDO:0011450, OMIM 604370. Disease mechanism: loss of function.

Submission:

Myriad Genetics, Inc.
Classification: Pathogenic for Breast-ovarian cancer, familial, susceptibility to, 1. Last evaluated: 2023-02-08. Review status: criteria provided, single submitter. Criteria: Myriad Autosomal Dominant, Autosomal Recessive and X-Linked Classification Criteria (2023). Collection method: clinical testing. Allele origin: unknown.
Comment: This variant is considered pathogenic. This variant creates a frameshift predicted to result in premature protein truncation.